The following is an entry in ClinVar:

ClinVar aggregate classification (germline): Pathogenic (1 of 4 stars; one submission).

Submission:

Labcorp Genetics (formerly Invitae), Labcorp
Classification: Pathogenic. Last evaluated: 2020-08-23. Review status: criteria provided, single submitter. Criteria: Invitae Variant Classification Sherloc (09022015). Collection method: clinical testing. Allele origin: germline.
Comment: For these reasons, this variant has been classified as Pathogenic. Loss-of-function variants in LPL are known to be pathogenic (PMID: 11334614). Algorithms developed to predict the effect of sequence changes on RNA splicing suggest that this variant may create or strengthen a splice site, but this prediction has not been confirmed by published transcriptional studies. This variant has not been reported in the literature in individuals with LPL-related conditions. This variant is not present in population databases (ExAC no frequency). This sequence change creates a premature translational stop signal (p.Tyr158*) in the LPL gene. It is expected to result in an absent or disrupted protein product.

Literature cited by the submitters: PubMed 11334614.

NM_000237.3(LPL):c.474C>G (p.Tyr158Ter)

Gene: LPL (lipoprotein lipase; plus strand). Cytogenetic location: 8p21.3.
Variant type: single nucleotide variant.
Coding change: c.474C>G on transcript NM_000237.3 (MANE Select); coding-DNA position 474, C replaced by G.
Protein change: p.Tyr158Ter; replaces tyrosine 158 with a stop codon.
Molecular consequence: nonsense.
Genome position (GRCh38, 1-based): chr8:19,953,354, C>G. VCF-style: chr8-19953354-C-G. GRCh37 (hg19) VCF-style: chr8-19810865-C-G.
Other names: short protein forms Y158*.
Identifiers: ClinVar variation 1069128 (VCV001069128.5), dbSNP rs767027334, ClinGen allele CA370468098.